The following is an entry in ClinVar:

NM_004415.4(DSP):c.8371C>G (p.Arg2791Gly)

Gene: DSP (desmoplakin; plus strand). Cytogenetic location: 6p24.3.
Variant type: single nucleotide variant.
Coding change: c.8371C>G on transcript NM_004415.4 (MANE Select); coding-DNA position 8371, C replaced by G.
Protein change: p.Arg2791Gly; replaces arginine 2791 with glycine.
Molecular consequence: missense variant.
Genome position (GRCh38, 1-based): chr6:7,585,633, C>G. VCF-style: chr6-7585633-C-G. GRCh37 (hg19) VCF-style: chr6-7585866-C-G.
Other names: c.6574C>G, p.Arg2192Gly (NM_001008844.3); c.7042C>G, p.Arg2348Gly (NM_001319034.2); short protein forms R2192G, R2348G, R2791G.
Identifiers: ClinVar variation 1052918 (VCV001052918.9), dbSNP rs867430601, ClinGen allele CA362695019.
Genomic context (GRCh38, chr6:7,585,633, plus strand): 5'-GCCAAAATCCTGACCTGCCCCAAAACCAAATTAAAAATATCCTATAAGGATGCCATAAAT[C>G]GCTCCATGGTAGAAGATATCACTGGGCTGCGCCTTCTGGAAGCCGCCTCCGTGTCGTCCA-3'
Protein context (NP_004406.2, residues 2781-2801): LKISYKDAIN[Arg2791Gly]SMVEDITGLR

ClinVar aggregate classification (germline): Uncertain significance (1 of 4 stars; one submission).

Conditions:
Arrhythmogenic cardiomyopathy with wooly hair and keratoderma. Also called: Dilated cardiomyopathy with woolly hair and keratoderma; Arrhythmogenic cardiomyopathy with woolly hair and keratoderma; PALMOPLANTAR KERATODERMA WITH LEFT VENTRICULAR CARDIOMYOPATHY AND WOOLLY HAIR; Carvajal syndrome. Identifiers: Orphanet 65282, MedGen C1854063, MONDO:0011581, OMIM 605676.
Arrhythmogenic right ventricular dysplasia 8 (ARVD8). Also called: Arrhythmogenic Right Ventricular Dysplasia/Cardiomyopathy 8; ARRHYTHMOGENIC RIGHT VENTRICULAR DYSPLASIA, FAMILIAL, 8; ARRHYTHMOGENIC RIGHT VENTRICULAR CARDIOMYOPATHY 8. Identifiers: MedGen C1843896, MONDO:0011831, OMIM 607450.

Submission:

Labcorp Genetics (formerly Invitae), Labcorp
Classification: Uncertain significance for Arrhythmogenic cardiomyopathy with wooly hair and keratoderma; Arrhythmogenic right ventricular dysplasia 8. Last evaluated: 2020-06-30. Review status: criteria provided, single submitter. Criteria: Invitae Variant Classification Sherloc (09022015). Collection method: clinical testing. Allele origin: germline.
Comment: This variant has not been reported in the literature in individuals with DSP-related conditions. In summary, the available evidence is currently insufficient to determine the role of this variant in disease. Therefore, it has been classified as a Variant of Uncertain Significance. Algorithms developed to predict the effect of missense changes on protein structure and function are either unavailable or do not agree on the potential impact of this missense change (SIFT: "Tolerated"; PolyPhen-2: "Probably Damaging"; Align-GVGD: "Class C0"). This variant is not present in population databases (ExAC no frequency). This sequence change replaces arginine with glycine at codon 2791 of the DSP protein (p.Arg2791Gly). The arginine residue is highly conserved and there is a moderate physicochemical difference between arginine and glycine.